The following is an entry in ClinVar:

NM_153610.5(CMYA5):c.10789A>T (p.Lys3597Ter)

Gene: CMYA5 (cardiomyopathy associated 5; plus strand). Cytogenetic location: 5q14.1.
Variant type: single nucleotide variant.
Coding change: c.10789A>T on transcript NM_153610.5 (MANE Select); coding-DNA position 10789, A replaced by T.
Protein change: p.Lys3597Ter; replaces lysine 3597 with a stop codon.
Molecular consequence: nonsense.
Genome position (GRCh38, 1-based): chr5:79,745,276, A>T. VCF-style: chr5-79745276-A-T. GRCh37 (hg19) VCF-style: chr5-79041099-A-T.
Other names: short protein forms K3597*.
Identifiers: ClinVar variation 2046455 (VCV002046455.1), dbSNP rs185458523, ClinGen allele CA3323032.

ClinVar aggregate classification (germline): Uncertain significance (1 of 4 stars; one submission).

Allele frequency attached by ClinVar (database versions not stated): 1000 Genomes Project 0.00040; 1000 Genomes Project 30x 0.00062; ExAC 0.00118; ESP Exome Variant Server 0.00133.
gnomAD v4.1: 1,831 of 1,611,718 alleles (0.11%); highest among the groups gnomAD compares: Non-Finnish European, 0.14%; 2 homozygotes.

Submission:

Labcorp Genetics (formerly Invitae), Labcorp
Classification: Uncertain significance. Last evaluated: 2021-09-02. Review status: criteria provided, single submitter. Criteria: Invitae Variant Classification Sherloc (09022015). Collection method: clinical testing. Allele origin: germline.
Comment: This sequence change creates a premature translational stop signal (p.Lys3597*) in the CMYA5 gene. It is expected to result in an absent or disrupted protein product. However, the current clinical and genetic evidence is not sufficient to establish whether loss-of-function variants in CMYA5 cause disease. This variant is present in population databases (rs185458523, ExAC 0.2%). This variant has not been reported in the literature in individuals affected with CMYA5-related conditions. In summary, the available evidence is currently insufficient to determine the role of this variant in disease. Therefore, it has been classified as a Variant of Uncertain Significance.